The following is an entry in ClinVar:

NM_001143985.1(BANF1):c.-192G>C

Gene: BANF1 (barrier to autointegration nuclear assembly factor 1; plus strand). Cytogenetic location: 11q13.1.
Variant type: single nucleotide variant.
Coding change: c.-192G>C on transcript NM_001143985.1; 192 bases upstream of the start codon, G replaced by C.
Genome position (GRCh38, 1-based): chr11:66,002,338, G>C. VCF-style: chr11-66002338-G-C. GRCh37 (hg19) VCF-style: chr11-65769809-G-C.
Identifiers: ClinVar variation 305401 (VCV000305401.8), dbSNP rs1786171, ClinGen allele CA10631234.
Genomic context (GRCh38, chr11:66,002,338, plus strand): 5'-CCTCTCCCTGGAGGCCTATCTCCCTCAGAACTGCGCGAGAAGCGAGACCTTAGAAGGCAG[G>C]GCTTCCCGCGAAGGACCGGAAAGGAGCGCCTACTAAGGACGCCGTCGAGGTCCGGGGCGC-3'

ClinVar aggregate classification (germline): Benign. Review status: criteria provided, multiple submitters, no conflicts (2 of 4 stars). 2 submissions from 2 submitters: Benign (2). Last evaluated 2018-01-12.

Conditions:
Nestor-Guillermo progeria syndrome (NGPS). Also called: PROGERIA SYNDROME, CHILDHOOD-ONSET, WITH OSTEOLYSIS. Identifiers: Orphanet 280576, MedGen C3151446, MONDO:0013523, OMIM 614008.

Allele frequency attached by ClinVar (database versions not stated): gnomAD 0.70323 and 0.70856; gnomAD exomes 0.78571; TOPMed 0.69188; 1000 Genomes Project 30x 0.67114; 1000 Genomes Project 0.67692.

Submissions (2):

Illumina Laboratory Services, Illumina
Classification: Benign for Nestor-Guillermo progeria syndrome. Last evaluated: 2018-01-12. Review status: criteria provided, single submitter. Criteria: ICSL Variant Classification Criteria 13 December 2019. Collection method: clinical testing. Allele origin: germline.
Comment: This variant was observed in the ICSL laboratory as part of a predisposition screen in an ostensibly healthy population. It had not been previously curated by ICSL or reported in the Human Gene Mutation Database (HGMD: prior to June 1st, 2018), and was therefore a candidate for classification through an automated scoring system. Utilizing variant allele frequency, disease prevalence and penetrance estimates, and inheritance mode, an automated score was calculated to assess if this variant is too frequent to cause the disease. Based on the score and internal cut-off values, a variant classified as benign is not then subjected to further curation. The score for this variant resulted in a classification of benign for this disease.

Breakthrough Genomics
Classification: Benign. Review status: criteria provided, single submitter. Criteria: ACMG Guidelines, 2015. Collection method: not provided. Allele origin: germline. Inheritance: Autosomal recessive inheritance. Affected: yes.